The following is an entry in ClinVar:

NM_000275.3(OCA2):c.1648G>A (p.Glu550Lys)

Gene: OCA2 (OCA2 melanosomal transmembrane protein; minus strand). Cytogenetic location: 15q13.1.
Variant type: single nucleotide variant.
Coding change: c.1648G>A on transcript NM_000275.3 (MANE Select); coding-DNA position 1648, G replaced by A.
Protein change: p.Glu550Lys; replaces glutamic acid 550 with lysine.
Molecular consequence: missense variant.
Genome position (GRCh38, 1-based): chr15:27,957,724, C>T on the plus strand (G>A on the coding strand, the complement: OCA2 is on the minus strand). VCF-style: chr15-27957724-C-T. GRCh37 (hg19) VCF-style: chr15-28202870-C-T.
Other names: c.1576G>A, p.Glu526Lys (NM_001300984.2); c.1648G>A (NM_000275.2); short protein forms E526K, E550K.
Identifiers: ClinVar variation 1333677 (VCV001333677.4), dbSNP rs2140706418, ClinGen allele CA391366107.

ClinVar aggregate classification (germline): Likely pathogenic. Review status: criteria provided, multiple submitters, no conflicts (2 of 4 stars). 2 submissions from 2 submitters: Likely pathogenic (2). Last evaluated 2022-06-24.

Conditions:
Tyrosinase-positive oculocutaneous albinism (OCA2). Also called: Albinism, oculocutaneous, type II; ALBINISM II; Oculocutaneous albinism type 2. Identifiers: Orphanet 79432, MedGen C0268495, MONDO:0008746, OMIM 203200.

Allele frequency attached by ClinVar (database versions not stated): gnomAD exomes below 0.00001.
gnomAD v4.1: 2 of 1,613,180 alleles (0.00012%); highest among the groups gnomAD compares: Non-Finnish European, 0.000085%; no homozygotes.

Submissions (2):

Victorian Clinical Genetics Services, Murdoch Childrens Research Institute
Classification: Likely pathogenic for Tyrosinase-positive oculocutaneous albinism. Last evaluated: 2022-06-24. Review status: criteria provided, single submitter. Criteria: ACMG Guidelines, 2015. Collection method: clinical testing. Allele origin: germline. Inheritance: Autosomal recessive inheritance. Affected: yes.
Comment: Based on the classification scheme VCGS_Germline_v1.3.4, this variant is classified as Likely pathogenic. Following criteria are met: 0102 - Loss of function is a known mechanism of disease in this gene and is associated with brown oculocutaneous albinism and oculocutaneous albinism type II (MIM#203200). (I) 0106 - This gene is associated with autosomal recessive disease. (I) 0115 - Variants in this gene are known to have variable expressivity (PMID: 24518832; OMIM). (I) 0200 - Variant is predicted to result in a missense amino acid change from glutamic acid to lysine. (I) 0251 - This variant is heterozygous. (I) 0301 - Variant is absent from gnomAD (both v2 and v3). (SP) 0502 - Missense variant with conflicting in silico predictions and high conservation. (I) 0600 - Variant is located in the annotated citrate transporter domain (DECIPHER). (I) 0705 - No comparable missense variants have previous evidence for pathogenicity. (I) 0802 - This variant has moderate previous evidence of pathogenicity in unrelated individuals. This variant has been classified as likely pathogenic by a clinical laboratory in ClinVar, and has been observed once as compound heterozygous and once as homozygous in individuals with albinism (PMIDs: 35393538, 31141302). (SP) 0905 - No published segregation evidence has been identified for this variant. (I) 1007 - No published functional evidence has been identified for this variant. (I) 1208 - Inheritance information for this variant is not currently available in this individual. (I) Legend: (SP) - Supporting pathogenic, (I) - Information, (SB) - Supporting benign

3billion
Classification: Likely pathogenic for Tyrosinase-positive oculocutaneous albinism. Last evaluated: 2022-01-03. Review status: criteria provided, single submitter. Criteria: ACMG Guidelines, 2015. Collection method: clinical testing. Allele origin: germline. Affected: yes. Observed: 1 heterozygote.
Comment: Same nucleotide change resulting in same amino acid change has been previously reported to be associated with OCA2 related disorder (PMID:31141302, PS1_P). In silico tool predictions suggest damaging effect of the variant on gene or gene product (REVEL: 0.822, 3CNET: 0.808, PP3_P). A missense variant is a common mechanism associated with Albinism (PP2_P). It is not observed in the gnomAD v2.1.1 dataset (PM2_M). Therefore, this variant is classified as likely pathogenic according to the recommendation of ACMG/AMP guideline.

Literature cited by the submitters: PubMed 24518832 (cited by Victorian Clinical Genetics Services, Murdoch Childrens Research Institute); PubMed 31141302 (cited by Victorian Clinical Genetics Services, Murdoch Childrens Research Institute and 3billion); PubMed 35393538 (cited by Victorian Clinical Genetics Services, Murdoch Childrens Research Institute).